The following is an entry in ClinVar:

NM_000071.3(CBS):c.1353G>C (p.Glu451Asp)

Gene: CBS (cystathionine beta-synthase; minus strand). Cytogenetic location: 21q22.3.
Variant type: single nucleotide variant.
Coding change: c.1353G>C on transcript NM_000071.3 (MANE Select); coding-DNA position 1353, G replaced by C.
Protein change: p.Glu451Asp; replaces glutamic acid 451 with aspartic acid.
Molecular consequence: missense variant.
Genome position (GRCh38, 1-based): chr21:43,058,839, C>G on the plus strand (G>C on the coding strand, the complement: CBS is on the minus strand). VCF-style: chr21-43058839-C-G. GRCh37 (hg19) VCF-style: chr21-44478949-C-G.
Other names: p.E451D:GAG>GAC; c.1353G>C, p.Glu451Asp (NM_001178008.3, NM_001178009.3, NM_001320298.2); c.1038G>C, p.Glu346Asp (NM_001321072.1); short protein forms E451D, E346D.
Identifiers: ClinVar variation 212868 (VCV000212868.11), dbSNP rs367962613, ClinGen allele CA322659.

ClinVar aggregate classification (germline): Uncertain significance. Review status: criteria provided, multiple submitters, no conflicts (2 of 4 stars). 5 submissions from 5 submitters: Uncertain significance (4). 1 of the submissions does not count toward it. Last evaluated 2026-06-30.

Conditions:
Classic homocystinuria. Also called: Homocystinuria due to Cystathionine Beta-Synthase Deficiency; HOMOCYSTINURIA WITH OR WITHOUT RESPONSE TO PYRIDOXINE; Homocystinuria due to CBS deficiency; Cystathionine beta-synthase deficiency; CBS deficiency. Identifiers: Orphanet 394, MedGen C0751202, MONDO:0009352, OMIM 236200.
HYPERHOMOCYSTEINEMIA, THROMBOTIC, CBS-RELATED. Identifiers: MedGen C3150344, OMIM 236200.

Allele frequency attached by ClinVar (database versions not stated): ESP Exome Variant Server 0.00008; gnomAD exomes 0.00001; ExAC 0.00004.

Submissions (5):

Women's Health and Genetics/Laboratory Corporation of America, LabCorp
Classification: Uncertain significance. Last evaluated: 2026-06-30. Review status: criteria provided, single submitter. Criteria: LabCorp Variant Classification Summary - May 2015. Collection method: clinical testing. Allele origin: germline.
Comment: Variant summary: CBS c.1353G>C (p.Glu451Asp) results in a conservative amino acid change in the encoded protein sequence. Algorithms developed to predict the effect of missense changes on protein structure and function all suggest that this variant is likely to be tolerated. The variant allele was found at a frequency of 6.1e-06 in 164752 control chromosomes. The available data on variant occurrences in the general population are insufficient to allow any conclusion about variant significance. To our knowledge, no occurrence of c.1353G>C in individuals affected with CBS-related conditions and no experimental evidence demonstrating its impact on protein function have been reported. ClinVar contains an entry for this variant (Variation ID: 212868). Based on the evidence outlined above, the variant was classified as uncertain significance.

Labcorp Genetics (formerly Invitae), Labcorp
Classification: Uncertain significance for HYPERHOMOCYSTEINEMIA, THROMBOTIC, CBS-RELATED. Last evaluated: 2021-09-24. Review status: criteria provided, single submitter. Criteria: Invitae Variant Classification Sherloc (09022015). Collection method: clinical testing. Allele origin: germline.
Comment: This sequence change replaces glutamic acid with aspartic acid at codon 451 of the CBS protein (p.Glu451Asp). The glutamic acid residue is highly conserved and there is a small physicochemical difference between glutamic acid and aspartic acid. This variant is present in population databases (rs367962613, ExAC 0.01%). This variant has not been reported in the literature in individuals with CBS-related conditions. ClinVar contains an entry for this variant (Variation ID: 212868). Algorithms developed to predict the effect of missense changes on protein structure and function (SIFT, PolyPhen-2, Align-GVGD) all suggest that this variant is likely to be tolerated, but these predictions have not been confirmed by published functional studies and their clinical significance is uncertain. In summary, the available evidence is currently insufficient to determine the role of this variant in disease. Therefore, it has been classified as a Variant of Uncertain Significance.

Fulgent Genetics
Classification: Uncertain significance for Classic homocystinuria. Last evaluated: 2021-07-28. Review status: criteria provided, single submitter. Criteria: ACMG Guidelines, 2015. Collection method: clinical testing. Allele origin: unknown.

GeneDx
Classification: Uncertain significance. Last evaluated: 2018-01-03. Review status: criteria provided, single submitter. Criteria: GeneDx Variant Classification (06012015). Collection method: clinical testing. Allele origin: germline. Affected: yes.
Comment: A variant of uncertain significance has been identified in the CBS gene. The E451D variant has not been published as pathogenic or been reported as benign to our knowledge. The E451D variant is not observed at a significant frequency in large population cohorts (Lek et al., 2016). Nevertheless, the E451D variant is a conservative amino acid substitution, which is not likely to impact secondary protein structure as these residues share similar properties. Furthermore, in-silico analyses, including protein predictors and evolutionary conservation, support that this variant does not alter protein structure/function.

Natera, Inc.
Classification: Uncertain significance for Homocystinuria due to cystathionine beta-synthase deficiency. Last evaluated: 2020-09-16. Review status: no assertion criteria provided. Collection method: clinical testing. Allele origin: germline. Not counted in ClinVar's aggregate classification.